The following is an entry in ClinVar:

ClinVar aggregate classification (germline): Uncertain significance. Review status: criteria provided, multiple submitters, no conflicts (2 of 4 stars). 2 submissions from 2 submitters: Uncertain significance (2). Last evaluated 2025-07-14.

Conditions:
NEFH-related disorder. Also called: NEFH-related condition.

gnomAD v4.1: 7 of 1,613,968 alleles (0.00043%); highest among the groups gnomAD compares: Non-Finnish European, 0.00059%; no homozygotes.

Submissions (2):

Labcorp Genetics (formerly Invitae), Labcorp
Classification: Uncertain significance. Last evaluated: 2025-07-14. Review status: criteria provided, single submitter. Criteria: Invitae Variant Classification Sherloc (09022015). Collection method: clinical testing. Allele origin: germline.
Comment: This sequence change replaces proline, which is neutral and non-polar, with glutamine, which is neutral and polar, at codon 796 of the NEFH protein (p.Pro796Gln). This variant is present in population databases (rs767365900, gnomAD 0.0009%). This variant has not been reported in the literature in individuals affected with NEFH-related conditions. ClinVar contains an entry for this variant (Variation ID: 3618380). Invitae Evidence Modeling of protein sequence and biophysical properties (such as structural, functional, and spatial information, amino acid conservation, physicochemical variation, residue mobility, and thermodynamic stability) indicates that this missense variant is not expected to disrupt NEFH protein function with a negative predictive value of 95%. In summary, the available evidence is currently insufficient to determine the role of this variant in disease. Therefore, it has been classified as a Variant of Uncertain Significance.

PreventionGenetics, part of Exact Sciences
Classification: Uncertain significance for NEFH-related condition. Last evaluated: 2024-10-15. Review status: criteria provided, single submitter. Criteria: ACMG Guidelines, 2015. Collection method: clinical testing. Allele origin: germline.
Comment: The NEFH c.2387C>A variant is predicted to result in the amino acid substitution p.Pro796Gln. To our knowledge, this variant has not been reported in the literature. This variant is reported in 0.00088% of alleles in individuals of European (Non-Finnish) descent in gnomAD. At this time, the clinical significance of this variant is uncertain due to the absence of conclusive functional and genetic evidence.

NM_021076.4(NEFH):c.2387C>A (p.Pro796Gln)

Gene: NEFH (neurofilament heavy chain; plus strand). Cytogenetic location: 22q12.2.
Variant type: single nucleotide variant.
Coding change: c.2387C>A on transcript NM_021076.4 (MANE Select); coding-DNA position 2387, C replaced by A.
Protein change: p.Pro796Gln; replaces proline 796 with glutamine.
Molecular consequence: missense variant.
Genome position (GRCh38, 1-based): chr22:29,490,027, C>A. VCF-style: chr22-29490027-C-A. GRCh37 (hg19) VCF-style: chr22-29886016-C-A.
Other names: c.2387C>A (NM_021076.3); short protein forms P796Q.
Identifiers: ClinVar variation 3618380 (VCV003618380.3).
Genomic context (GRCh38, chr22:29,490,027, plus strand): 5'-CCCCTGCAGACAAATTCCCTGAAAAGGCCAAAAGCCCTGTCAAGGAGGAGGTCAAGTCCC[C>A]AGAGAAGGCGAAATCTCCCCTGAAGGAGGATGCCAAGGCCCCTGAGAAGGAGATCCCAAA-3'
Protein context (NP_066554.2, residues 786-806): KSPVKEEVKS[Pro796Gln]EKAKSPLKED